The following is an entry in ClinVar:

NM_000642.3(AGL):c.3604G>T (p.Glu1202Ter)

Gene: AGL (amylo-alpha-1,6-glucosidase and 4-alpha-glucanotransferase; plus strand). Cytogenetic location: 1p21.2.
Variant type: single nucleotide variant.
Coding change: c.3604G>T on transcript NM_000642.3 (MANE Select); coding-DNA position 3604, G replaced by T.
Protein change: p.Glu1202Ter; replaces glutamic acid 1202 with a stop codon.
Molecular consequence: nonsense.
Genome position (GRCh38, 1-based): chr1:99,902,698, G>T. VCF-style: chr1-99902698-G-T. GRCh37 (hg19) VCF-style: chr1-100368254-G-T.
Other names: c.3604G>T, p.Glu1202Ter (NM_000028.3, NM_000643.3, NM_000644.3 and 1 more transcripts); c.3556G>T, p.Glu1186Ter (NM_000646.3); c.3583G>T, p.Glu1195Ter (NM_001425326.1); c.3403G>T, p.Glu1135Ter (NM_001425327.1); c.3400G>T, p.Glu1134Ter (NM_001425328.1); c.3265G>T, p.Glu1089Ter (NM_001425329.1); c.3226G>T, p.Glu1076Ter (NM_001425332.1); short protein forms E1186*, E1202*, E1076*, E1089*, E1134*, E1135*, E1195*.
Identifiers: ClinVar variation 1726664 (VCV001726664.2), dbSNP rs2523734375, ClinGen allele CA341334319.

ClinVar aggregate classification (germline): Likely pathogenic (1 of 4 stars; one submission).

Conditions:
Glycogen storage disease type III (GSD3). Also called: FORBES DISEASE; Cori disease. Identifiers: Orphanet 366, MedGen C0017922, MONDO:0009291, OMIM 232400.

Submission:

Myriad Genetics, Inc.
Classification: Likely pathogenic for Glycogen storage disease type III. Last evaluated: 2021-12-30. Review status: criteria provided, single submitter. Criteria: Myriad Women's Health Autosomal Recessive and X-Linked Classification Criteria (2021). Collection method: clinical testing. Allele origin: unknown.
Comment: NM_000642.2(AGL):c.3604G>T(E1202*) is expected to be pathogenic in the context of glycogen storage disease type III. This variant is predicted to lead to an abnormal or absent protein product due to the creation of a premature termination codon in AGL, a gene where loss-of-function variants are known to be pathogenic. Please note: this variant was assessed in the context of healthy population screening.